The following is an entry in ClinVar:

NM_001278.5(CHUK):c.215A>G (p.Asn72Ser)

Gene: CHUK (component of inhibitor of nuclear factor kappa B kinase complex; minus strand). Cytogenetic location: 10q24.31.
Variant type: single nucleotide variant.
Coding change: c.215A>G on transcript NM_001278.5 (MANE Select); coding-DNA position 215, A replaced by G.
Protein change: p.Asn72Ser; replaces asparagine 72 with serine.
Molecular consequence: missense variant.
Genome position (GRCh38, 1-based): chr10:100,222,966, T>C on the plus strand (A>G on the coding strand, the complement: CHUK is on the minus strand). VCF-style: chr10-100222966-T-C. GRCh37 (hg19) VCF-style: chr10-101982723-T-C.
Other names: c.215A>G, p.Asn72Ser (NM_001320928.2); short protein forms N72S.
Identifiers: ClinVar variation 3620674 (VCV003620674.2).

ClinVar aggregate classification (germline): Uncertain significance (1 of 4 stars; one submission).

gnomAD v4.1: 9 of 1,578,134 alleles (0.00057%); highest among the groups gnomAD compares: Non-Finnish European, 0.00052%; no homozygotes.

Submission:

Labcorp Genetics (formerly Invitae), Labcorp
Classification: Uncertain significance. Last evaluated: 2024-04-11. Review status: criteria provided, single submitter. Criteria: Invitae Variant Classification Sherloc (09022015). Collection method: clinical testing. Allele origin: germline.
Comment: This sequence change replaces asparagine, which is neutral and polar, with serine, which is neutral and polar, at codon 72 of the CHUK protein (p.Asn72Ser). This variant is present in population databases (rs754635415, gnomAD 0.004%). This variant has not been reported in the literature in individuals affected with CHUK-related conditions. Algorithms developed to predict the effect of missense changes on protein structure and function output the following: SIFT: "Not Available"; PolyPhen-2: "Benign"; Align-GVGD: "Not Available". The serine amino acid residue is found in multiple mammalian species, which suggests that this missense change does not adversely affect protein function. In summary, the available evidence is currently insufficient to determine the role of this variant in disease. Therefore, it has been classified as a Variant of Uncertain Significance.